The following is an entry in ClinVar:

ClinVar aggregate classification (germline): Uncertain significance. Review status: criteria provided, multiple submitters, no conflicts (2 of 4 stars). 2 submissions from 2 submitters: Uncertain significance (2). Last evaluated 2026-03-10.

Conditions:
NEFH-related disorder. Also called: NEFH-related condition.

Submissions (2):

PreventionGenetics, part of Exact Sciences
Classification: Uncertain significance for NEFH-related condition. Last evaluated: 2026-03-10. Review status: criteria provided, single submitter. Criteria: ACMG Guidelines, 2015. Collection method: clinical testing. Allele origin: germline.
Comment: The NEFH c.2699A>G variant is predicted to result in the amino acid substitution p.Lys900Arg. To our knowledge, this variant has not been reported in the literature or in a large population database (gnomAD), indicating this variant is rare. At this time, the clinical significance of this variant is uncertain due to the absence of conclusive functional and genetic evidence.

Labcorp Genetics (formerly Invitae), Labcorp
Classification: Uncertain significance. Last evaluated: 2024-05-21. Review status: criteria provided, single submitter. Criteria: Invitae Variant Classification Sherloc (09022015). Collection method: clinical testing. Allele origin: germline.
Comment: This sequence change replaces lysine, which is basic and polar, with arginine, which is basic and polar, at codon 900 of the NEFH protein (p.Lys900Arg). This variant is not present in population databases (gnomAD no frequency). This variant has not been reported in the literature in individuals affected with NEFH-related conditions. Advanced modeling of protein sequence and biophysical properties (such as structural, functional, and spatial information, amino acid conservation, physicochemical variation, residue mobility, and thermodynamic stability) performed at Invitae indicates that this missense variant is not expected to disrupt NEFH protein function with a negative predictive value of 95%. In summary, the available evidence is currently insufficient to determine the role of this variant in disease. Therefore, it has been classified as a Variant of Uncertain Significance.

NM_021076.4(NEFH):c.2699A>G (p.Lys900Arg)

Gene: NEFH (neurofilament heavy chain; plus strand). Cytogenetic location: 22q12.2.
Variant type: single nucleotide variant.
Coding change: c.2699A>G on transcript NM_021076.4 (MANE Select); coding-DNA position 2699, A replaced by G.
Protein change: p.Lys900Arg; replaces lysine 900 with arginine.
Molecular consequence: missense variant.
Genome position (GRCh38, 1-based): chr22:29,490,339, A>G. VCF-style: chr22-29490339-A-G. GRCh37 (hg19) VCF-style: chr22-29886328-A-G.
Other names: c.2699A>G (NM_021076.3); short protein forms K900R.
Identifiers: ClinVar variation 3623372 (VCV003623372.3).